The following is an entry in ClinVar:

NM_000500.9(CYP21A2):c.1213T>C (p.Phe405Leu)

Genes: CYP21A2 (cytochrome P450 family 21 subfamily A member 2; plus strand), LOC106780800 (CYP21A2 recombination region; plus strand). Cytogenetic location: 6p21.33.
Variant type: single nucleotide variant.
Coding change: c.1213T>C on transcript NM_000500.9 (MANE Select); coding-DNA position 1213, T replaced by C.
Protein change: p.Phe405Leu; replaces phenylalanine 405 with leucine.
Molecular consequence: missense variant.
Genome position (GRCh38, 1-based): chr6:32,040,762, T>C. VCF-style: chr6-32040762-T-C. GRCh37 (hg19) VCF-style: chr6-32008539-T-C.
Other names: c.1123T>C, p.Phe375Leu (NM_001128590.4); c.808T>C, p.Phe270Leu (NM_001368143.2, NM_001368144.2); short protein forms F270L, F375L, F405L.
Identifiers: ClinVar variation 2577310 (VCV002577310.1), dbSNP rs1776264899, ClinGen allele CA363511475.

ClinVar aggregate classification (germline): Uncertain significance (1 of 4 stars; one submission).

Allele frequency attached by ClinVar (database versions not stated): TOPMed below 0.00001.

Submission:

Women's Health and Genetics/Laboratory Corporation of America, LabCorp
Classification: Uncertain significance. Last evaluated: 2023-07-12. Review status: criteria provided, single submitter. Criteria: LabCorp Variant Classification Summary - May 2015. Collection method: clinical testing. Allele origin: germline.
Comment: Variant summary: CYP21A2 c.1213T>C (p.Phe405Leu) results in a non-conservative amino acid change in the encoded protein sequence. Five of five in-silico tools predict a damaging effect of the variant on protein function. The variant was absent in 240030 control chromosomes (gnomAD). c.1213T>C has been reported in the literature in at least two compound heterozygous individuals affected with Congenital Adrenal Hyperplasia (one nonclassic and one simple virilizing; e.g., New_2013, Xu_2019). These data indicate that the variant may be associated with disease. To our knowledge, no experimental evidence demonstrating an impact on protein function has been reported. The following publications have been ascertained in the context of this evaluation (PMID: 23359706, 23359698, 30995443). No submitters have reported clinical-significance assessments for this variant to ClinVar after 2014. Based on the evidence outlined above, the variant was classified as VUS-possibly pathogenic.

Literature cited by the submitters: PubMed 23359698; PubMed 30995443; PubMed 23359706.